The following is an entry in ClinVar:

NM_000245.4(MET):c.77G>A (p.Cys26Tyr)

Gene: MET (MET proto-oncogene, receptor tyrosine kinase; plus strand). Cytogenetic location: 7q31.2.
Variant type: single nucleotide variant.
Coding change: c.77G>A on transcript NM_000245.4 (MANE Select); coding-DNA position 77, G replaced by A.
Protein change: p.Cys26Tyr; replaces cysteine 26 with tyrosine.
Molecular consequence: missense variant. On other transcripts: intron variant (1).
Genome position (GRCh38, 1-based): chr7:116,699,161, G>A. VCF-style: chr7-116699161-G-A. GRCh37 (hg19) VCF-style: chr7-116339215-G-A.
Other names: c.77G>A, p.Cys26Tyr (NM_001127500.3, NM_001324401.3); c.-91+26584G>A (NM_001324402.2); short protein forms C26Y.
Identifiers: ClinVar variation 827261 (VCV000827261.6), dbSNP rs1584875719, ClinGen allele CA368968291.
Genomic context (GRCh38, chr7:116,699,161, plus strand): 5'-TGCTTGCACCTGGCATCCTCGTGCTCCTGTTTACCTTGGTGCAGAGGAGCAATGGGGAGT[G>A]TAAAGAGGCACTAGCAAAGTCCGAGATGAATGTGAATATGAAGTATCAGCTTCCCAACTT-3'
Protein context (NP_000236.2, residues 16-36): FTLVQRSNGE[Cys26Tyr]KEALAKSEMN

ClinVar aggregate classification (germline): Uncertain significance. Review status: criteria provided, multiple submitters, no conflicts (2 of 4 stars). 2 submissions from 2 submitters: Uncertain significance (2). Last evaluated 2024-10-06.

Conditions:
Renal cell carcinoma. Identifiers: Orphanet 217071, MedGen C0007134, MeSH D002292, MONDO:0005086, HP:0005584.
Hereditary cancer-predisposing syndrome. Also called: Neoplastic Syndromes, Hereditary; Tumor predisposition; Hereditary neoplastic syndrome; Hereditary Cancer Syndrome. Identifiers: Orphanet 140162, MedGen C0027672, MeSH D009386, MONDO:0015356.

Submissions (2):

Labcorp Genetics (formerly Invitae), Labcorp
Classification: Uncertain significance for Renal cell carcinoma. Last evaluated: 2024-10-06. Review status: criteria provided, single submitter. Criteria: Invitae Variant Classification Sherloc (09022015). Collection method: clinical testing. Allele origin: germline.
Comment: This sequence change replaces cysteine, which is neutral and slightly polar, with tyrosine, which is neutral and polar, at codon 26 of the MET protein (p.Cys26Tyr). This variant is not present in population databases (gnomAD no frequency). This variant has not been reported in the literature in individuals affected with MET-related conditions. ClinVar contains an entry for this variant (Variation ID: 827261). Invitae Evidence Modeling of protein sequence and biophysical properties (such as structural, functional, and spatial information, amino acid conservation, physicochemical variation, residue mobility, and thermodynamic stability) indicates that this missense variant is expected to disrupt MET protein function with a positive predictive value of 80%. In summary, the available evidence is currently insufficient to determine the role of this variant in disease. Therefore, it has been classified as a Variant of Uncertain Significance.

Ambry Genetics
Classification: Uncertain significance for Hereditary cancer-predisposing syndrome. Last evaluated: 2019-09-23. Review status: criteria provided, single submitter. Criteria: Ambry Variant Classification Scheme 2023. Collection method: clinical testing. Allele origin: germline.
Comment: The p.C26Y variant (also known as c.77G>A), located in coding exon 1 of the MET gene, results from a G to A substitution at nucleotide position 77. The cysteine at codon 26 is replaced by tyrosine, an amino acid with highly dissimilar properties. This amino acid position is highly conserved in available vertebrate species. In addition, this alteration is predicted to be deleterious by in silico analysis. Since supporting evidence is limited at this time, the clinical significance of this alteration remains unclear.